The following is an entry in ClinVar:

ClinVar aggregate classification (germline): Benign/Likely benign. Review status: criteria provided, multiple submitters, no conflicts (2 of 4 stars). 4 submissions from 4 submitters: Benign (1); Likely benign (3). Last evaluated 2025-09-16.

Conditions:
IMPG1-related disorder. Also called: IMPG1-related condition.

Allele frequency attached by ClinVar (database versions not stated): gnomAD exomes 0.00012 and 0.00030; ExAC 0.00032; 1000 Genomes Project 30x 0.00047; 1000 Genomes Project 0.00060; ESP Exome Variant Server 0.00085; TOPMed 0.00093; gnomAD 0.00095.
gnomAD v4.1: 327 of 1,614,172 alleles (0.02%); highest among the groups gnomAD compares: African/African-American, 0.31%; 2 homozygotes.

Submissions (4):

Labcorp Genetics (formerly Invitae), Labcorp
Classification: Benign. Last evaluated: 2025-09-16. Review status: criteria provided, single submitter. Criteria: Invitae Variant Classification Sherloc (09022015). Collection method: clinical testing. Allele origin: germline.

CeGaT Center for Human Genetics Tuebingen
Classification: Likely benign. Last evaluated: 2025-04-01. Review status: criteria provided, single submitter. Criteria: CeGaT Center For Human Genetics Tuebingen Variant Classification Criteria Version 2. Collection method: clinical testing. Allele origin: germline. Affected: yes. Observed: 1 variant allele.
Comment: IMPG1: BP4, BP7

PreventionGenetics, part of Exact Sciences
Classification: Likely benign for IMPG1-related condition. Last evaluated: 2024-10-28. Review status: criteria provided, single submitter. Criteria: ACMG Guidelines, 2015. Collection method: clinical testing. Allele origin: germline.
Comment: This variant is classified as likely benign based on ACMG/AMP sequence variant interpretation guidelines (Richards et al. 2015 PMID: 25741868, with internal and published modifications).

Blueprint Genetics
Classification: Likely benign. Last evaluated: 2024-10-02. Review status: criteria provided, single submitter. Criteria: ACMG Guidelines, 2015. Collection method: clinical testing. Allele origin: germline.

NM_001563.4(IMPG1):c.2124G>A (p.Ala708=)

Gene: IMPG1 (interphotoreceptor matrix proteoglycan 1; minus strand). Cytogenetic location: 6q14.1.
Variant type: single nucleotide variant.
Coding change: c.2124G>A on transcript NM_001563.4 (MANE Select); coding-DNA position 2124, G replaced by A.
Protein change: p.Ala708=; no amino-acid change (alanine 708 retained).
Molecular consequence: synonymous variant.
Genome position (GRCh38, 1-based): chr6:75,931,072, C>T on the plus strand (G>A on the coding strand, the complement: IMPG1 is on the minus strand). VCF-style: chr6-75931072-C-T. GRCh37 (hg19) VCF-style: chr6-76640789-C-T.
Other names: c.1890G>A, p.Ala630= (NM_001282368.2).
Identifiers: ClinVar variation 735610 (VCV000735610.20), dbSNP rs112249073, ClinGen allele CA3897924.